The following is an entry in ClinVar:

NM_024675.4(PALB2):c.3224G>A (p.Ser1075Asn)

Gene: PALB2 (partner and localizer of BRCA2; minus strand). Cytogenetic location: 16p12.2.
Variant type: single nucleotide variant.
Coding change: c.3224G>A on transcript NM_024675.4 (MANE Select); coding-DNA position 3224, G replaced by A.
Protein change: p.Ser1075Asn; replaces serine 1075 with asparagine.
Molecular consequence: missense variant.
Genome position (GRCh38, 1-based): chr16:23,607,990, C>T on the plus strand (G>A on the coding strand, the complement: PALB2 is on the minus strand). VCF-style: chr16-23607990-C-T. GRCh37 (hg19) VCF-style: chr16-23619311-C-T.
Other names: short protein forms S1075N.
Identifiers: ClinVar variation 1390358 (VCV001390358.7), dbSNP rs2142274025, ClinGen allele CA395140047.

ClinVar aggregate classification (germline): Uncertain significance (1 of 4 stars; one submission).

Conditions:
Familial cancer of breast. Also called: BREAST CANCER, FAMILIAL; Hereditary breast cancer; hereditary breast carcinoma. Identifiers: Orphanet 227535, MedGen C0346153, MONDO:0016419, OMIM 114480. Disease mechanism: loss of function.

Submission:

Labcorp Genetics (formerly Invitae), Labcorp
Classification: Uncertain significance for Familial cancer of breast. Last evaluated: 2021-10-31. Review status: criteria provided, single submitter. Criteria: Invitae Variant Classification Sherloc (09022015). Collection method: clinical testing. Allele origin: germline.
Comment: In summary, the available evidence is currently insufficient to determine the role of this variant in disease. Therefore, it has been classified as a Variant of Uncertain Significance. Algorithms developed to predict the effect of missense changes on protein structure and function output the following: SIFT: "Tolerated"; PolyPhen-2: "Benign"; Align-GVGD: "Class C0". The asparagine amino acid residue is found in multiple mammalian species, which suggests that this missense change does not adversely affect protein function. This variant has not been reported in the literature in individuals affected with PALB2-related conditions. This variant is not present in population databases (gnomAD no frequency). This sequence change replaces serine, which is neutral and polar, with asparagine, which is neutral and polar, at codon 1075 of the PALB2 protein (p.Ser1075Asn).